The following is an entry in ClinVar:

ClinVar aggregate classification (germline): Pathogenic (1 of 4 stars; one submission).

Conditions:
Anterior segment dysgenesis 7 (ASGD7). Also called: SCLEROCORNEA WITH OTHER OCULAR ANOMALIES; Anterior segment dysgenesis 7, with sclerocornea. Identifiers: Orphanet 289499, MedGen C3151617, MONDO:0010015, OMIM 269400.

Allele frequency attached by ClinVar (database versions not stated): gnomAD exomes below 0.00001.
gnomAD v4.1: 4 of 1,606,146 alleles (0.00025%); highest among the groups gnomAD compares: Admixed American, 0.0017%; no homozygotes.

Submission:

Labcorp Genetics (formerly Invitae), Labcorp
Classification: Pathogenic for Anterior segment dysgenesis 7. Last evaluated: 2023-07-17. Review status: criteria provided, single submitter. Criteria: Invitae Variant Classification Sherloc (09022015). Collection method: clinical testing. Allele origin: germline.
Comment: For these reasons, this variant has been classified as Pathogenic. ClinVar contains an entry for this variant (Variation ID: 1399091). This variant has not been reported in the literature in individuals affected with PXDN-related conditions. This variant is not present in population databases (gnomAD no frequency). This sequence change creates a premature translational stop signal (p.Gln942*) in the PXDN gene. It is expected to result in an absent or disrupted protein product. Loss-of-function variants in PXDN are known to be pathogenic (PMID: 21907015, 24939590).

Literature cited by the submitters: PubMed 21907015; PubMed 24939590.

NM_012293.3(PXDN):c.2824C>T (p.Gln942Ter)

Gene: PXDN (peroxidasin; minus strand). Cytogenetic location: 2p25.3.
Variant type: single nucleotide variant.
Coding change: c.2824C>T on transcript NM_012293.3 (MANE Select); coding-DNA position 2824, C replaced by T.
Protein change: p.Gln942Ter; replaces glutamine 942 with a stop codon.
Molecular consequence: nonsense.
Genome position (GRCh38, 1-based): chr2:1,648,956, G>A on the plus strand (C>T on the coding strand, the complement: PXDN is on the minus strand). VCF-style: chr2-1648956-G-A. GRCh37 (hg19) VCF-style: chr2-1652728-G-A.
Other names: short protein forms Q942*.
Identifiers: ClinVar variation 1399091 (VCV001399091.6), dbSNP rs2125411312, ClinGen allele CA345704392.
Genomic context (GRCh38, chr2:1,648,956, plus strand): 5'-CCCGCATGCACTCCGTGGGCGGCCCGGTGGCGAAGGGGAGCAGCGGCTTCCCGGACCGCT[G>A]CACGATGCCCTGCCGCAGCAGGCCGCGGTGGCTGGCCAGGTCGCGGATGCTGCGGGCCTC-3'